The following is an entry in ClinVar:

ClinVar aggregate classification (germline): Uncertain significance (1 of 4 stars; one submission).

Submission:

GeneDx
Classification: Uncertain significance. Last evaluated: 2023-01-13. Review status: criteria provided, single submitter. Criteria: GeneDx Variant Classification Process June 2021. Collection method: clinical testing. Allele origin: germline. Affected: yes.
Comment: Has not been previously published as pathogenic or benign to our knowledge; Not observed at significant frequency in large population cohorts (gnomAD); In silico analysis supports that this missense variant does not alter protein structure/function

NM_001378120.1(MBD5):c.1909G>A (p.Gly637Arg)

Gene: MBD5 (methyl-CpG binding domain protein 5; plus strand). Cytogenetic location: 2q23.1.
Variant type: single nucleotide variant.
Coding change: c.1909G>A on transcript NM_001378120.1 (MANE Select); coding-DNA position 1909, G replaced by A.
Protein change: p.Gly637Arg; replaces glycine 637 with arginine.
Molecular consequence: missense variant.
Genome position (GRCh38, 1-based): chr2:148,469,852, G>A. VCF-style: chr2-148469852-G-A. GRCh37 (hg19) VCF-style: chr2-149227421-G-A.
Other names: c.1909G>A, p.Gly637Arg (NM_018328.5); short protein forms G637R.
Identifiers: ClinVar variation 1302450 (VCV001302450.3), dbSNP rs750882049, ClinGen allele CA348720701.